The following is an entry in ClinVar:

ClinVar aggregate classification (germline): Uncertain significance. Review status: criteria provided, multiple submitters, no conflicts (2 of 4 stars). 2 submissions from 2 submitters: Uncertain significance (2). Last evaluated 2024-07-23.

Conditions:
Bethlem myopathy 1A. Also called: Bethlem myopathy 1; MYOPATHY, BENIGN CONGENITAL, WITH CONTRACTURES; Bethlem Muscular Dystrophy. Identifiers: Orphanet 610, MedGen CN029274, MONDO:0024530, OMIM 158810.

Allele frequency attached by ClinVar (database versions not stated): gnomAD exomes below 0.00001 and 0.00001; ExAC 0.00001; gnomAD 0.00001; TOPMed 0.00001.
gnomAD v4.1: 3 of 1,614,062 alleles (0.00019%); highest among the groups gnomAD compares: Non-Finnish European, 0.00025%; no homozygotes.

Submissions (2):

Labcorp Genetics (formerly Invitae), Labcorp
Classification: Uncertain significance for Bethlem myopathy 1A. Last evaluated: 2024-07-23. Review status: criteria provided, single submitter. Criteria: Invitae Variant Classification Sherloc (09022015). Collection method: clinical testing. Allele origin: germline.
Comment: This sequence change replaces lysine, which is basic and polar, with glutamine, which is neutral and polar, at codon 2737 of the COL6A3 protein (p.Lys2737Gln). This variant is present in population databases (no rsID available, gnomAD 0.002%). This variant has not been reported in the literature in individuals affected with COL6A3-related conditions. ClinVar contains an entry for this variant (Variation ID: 1303040). Advanced modeling of protein sequence and biophysical properties (such as structural, functional, and spatial information, amino acid conservation, physicochemical variation, residue mobility, and thermodynamic stability) performed at Invitae indicates that this missense variant is not expected to disrupt COL6A3 protein function with a negative predictive value of 80%. In summary, the available evidence is currently insufficient to determine the role of this variant in disease. Therefore, it has been classified as a Variant of Uncertain Significance.

GeneDx
Classification: Uncertain significance. Last evaluated: 2020-07-02. Review status: criteria provided, single submitter. Criteria: GeneDx Variant Classification Process June 2021. Collection method: clinical testing. Allele origin: germline. Affected: yes.
Comment: Not observed at a significant frequency in large population cohorts (Lek et al., 2016); In silico analysis supports that this missense variant does not alter protein structure/function; Has not been previously published as pathogenic or benign in definitive association with human disease to our knowledge; This variant is associated with the following publications: (PMID: 23040494)

NM_004369.4(COL6A3):c.8209A>C (p.Lys2737Gln)

Gene: COL6A3 (collagen type VI alpha 3 chain; minus strand). Cytogenetic location: 2q37.3.
Variant type: single nucleotide variant.
Coding change: c.8209A>C on transcript NM_004369.4 (MANE Select); coding-DNA position 8209, A replaced by C.
Protein change: p.Lys2737Gln; replaces lysine 2737 with glutamine.
Molecular consequence: missense variant.
Genome position (GRCh38, 1-based): chr2:237,340,707, T>G on the plus strand (A>C on the coding strand, the complement: COL6A3 is on the minus strand). VCF-style: chr2-237340707-T-G. GRCh37 (hg19) VCF-style: chr2-238249350-T-G.
Other names: c.6388A>C, p.Lys2130Gln (NM_057166.5); c.7591A>C, p.Lys2531Gln (NM_057167.4); short protein forms K2130Q, K2531Q, K2737Q.
Identifiers: ClinVar variation 1303040 (VCV001303040.5), dbSNP rs111764507, ClinGen allele CA2187600.
Genomic context (GRCh38, chr2:237,340,707, plus strand): 5'-TCTGGGCCTCCTCCAGCTGCTGCTCCGGCACCTCGCCCGTCAGCATCAGGACCACAATTT[T>G]CAGGTCCCGTGGGTTTGGGGCACTTTCAAAGACATTCTCTATGGTGTATTCAATGGCACT-3'
Protein context (NP_004360.2, residues 2727-2747): FESAPNPRDL[Lys2737Gln]IVVLMLTGEV